The following is an entry in ClinVar:

ClinVar aggregate classification (germline): Uncertain significance (1 of 4 stars; one submission).

Conditions:
Fanconi anemia (FA). Also called: Fanconi's anemia. Identifiers: Orphanet 84, MedGen C0015625, MeSH D005199, MONDO:0019391.

Allele frequency attached by ClinVar (database versions not stated): gnomAD 0.00001.

Submission:

Labcorp Genetics (formerly Invitae), Labcorp
Classification: Uncertain significance for Fanconi anemia. Last evaluated: 2021-09-17. Review status: criteria provided, single submitter. Criteria: Invitae Variant Classification Sherloc (09022015). Collection method: clinical testing. Allele origin: germline.
Comment: This sequence change replaces serine with cysteine at codon 645 of the FANCA protein (p.Ser645Cys). The serine residue is weakly conserved and there is a moderate physicochemical difference between serine and cysteine. This variant is not present in population databases (ExAC no frequency). This variant has not been reported in the literature in individuals with FANCA-related conditions. Algorithms developed to predict the effect of missense changes on protein structure and function output the following: SIFT: "Tolerated"; PolyPhen-2: "Possibly Damaging"; Align-GVGD: "Class C0". The cysteine amino acid residue is found in multiple mammalian species, suggesting that this missense change does not adversely affect protein function. These predictions have not been confirmed by published functional studies and their clinical significance is uncertain. In summary, the available evidence is currently insufficient to determine the role of this variant in disease. Therefore, it has been classified as a Variant of Uncertain Significance.

NM_000135.4(FANCA):c.1934C>G (p.Ser645Cys)

Gene: FANCA (FA complementation group A; minus strand). Cytogenetic location: 16q24.3.
Variant type: single nucleotide variant.
Coding change: c.1934C>G on transcript NM_000135.4 (MANE Select); coding-DNA position 1934, C replaced by G.
Protein change: p.Ser645Cys; replaces serine 645 with cysteine.
Molecular consequence: missense variant.
Genome position (GRCh38, 1-based): chr16:89,773,351, G>C on the plus strand (C>G on the coding strand, the complement: FANCA is on the minus strand). VCF-style: chr16-89773351-G-C. GRCh37 (hg19) VCF-style: chr16-89839759-G-C.
Other names: c.1934C>G, p.Ser645Cys (NM_001286167.3); short protein forms S645C.
Identifiers: ClinVar variation 2148848 (VCV002148848.1), dbSNP rs776682683, ClinGen allele CA286568191.
Genomic context (GRCh38, chr16:89,773,351, plus strand): 5'-GTCATGGAGGCTCTCAGCTCTCCCAGTGCAGCTGTGAGCTGTCCCAGGGGCTCCTCAGCA[G>C]AGTTGGGTTCTGCCCTCACTCCCAGGGCTGCATCTGTGAGAAGAAGGAAGAAACCAGATG-3'
Protein context (NP_000126.2, residues 635-655): AALGVRAEPN[Ser645Cys]AEEPLGQLTA